The following is an entry in ClinVar:

ClinVar aggregate classification (germline): Uncertain significance. Review status: criteria provided, multiple submitters, no conflicts (2 of 4 stars). 3 submissions from 3 submitters: Uncertain significance (3). Last evaluated 2025-04-07.

Conditions:
Loeys-Dietz syndrome 2 (LDS2). Also called: AORTIC ANEURYSM, FAMILIAL THORACIC 3; MARFAN SYNDROME, TYPE II; Marfan syndrome, type 2 (formerly); TGFBR2-Related Loeys-Dietz Syndrome; Marfan Syndrome type 2; Marfan like connective tissue disorder. Identifiers: Orphanet 284973, Orphanet 558, MedGen C2674574, MONDO:0012427, OMIM 610168.

Allele frequency attached by ClinVar (database versions not stated): gnomAD exomes 0.00001 and 0.00004; TOPMed below 0.00001; gnomAD 0.00001; ExAC 0.00002.
gnomAD v4.1: 14 of 1,613,986 alleles (0.00087%); highest among the groups gnomAD compares: Admixed American, 0.017%; no homozygotes.

Submissions (3):

Labcorp Genetics (formerly Invitae), Labcorp
Classification: Uncertain significance for Loeys-Dietz syndrome 2. Last evaluated: 2025-04-07. Review status: criteria provided, single submitter. Criteria: Invitae Variant Classification Sherloc (09022015). Collection method: clinical testing. Allele origin: germline.
Comment: This sequence change replaces threonine, which is neutral and polar, with asparagine, which is neutral and polar, at codon 558 of the TMPO protein (p.Thr558Asn). This variant is present in population databases (rs563175204, gnomAD 0.02%). This variant has not been reported in the literature in individuals affected with TMPO-related conditions. ClinVar contains an entry for this variant (Variation ID: 536979). Invitae Evidence Modeling of protein sequence and biophysical properties (such as structural, functional, and spatial information, amino acid conservation, physicochemical variation, residue mobility, and thermodynamic stability) indicates that this missense variant is not expected to disrupt TMPO protein function with a negative predictive value of 80%. In summary, the available evidence is currently insufficient to determine the role of this variant in disease. Therefore, it has been classified as a Variant of Uncertain Significance.

Ambry Genetics
Classification: Uncertain significance. Last evaluated: 2025-02-12. Review status: criteria provided, single submitter. Criteria: Ambry Variant Classification Scheme 2023. Collection method: clinical testing. Allele origin: germline.

Stanford Center for Inherited Cardiovascular Disease, Stanford University
Classification: Uncertain significance. Last evaluated: 2018-02-06. Review status: criteria provided, single submitter. Criteria: ACMG Guidelines, 2015. Collection method: provider interpretation. Allele origin: germline.

NM_001032283.3(TMPO):c.565+2092C>A

Gene: TMPO (thymopoietin; plus strand). Cytogenetic location: 12q23.1.
Variant type: single nucleotide variant.
Coding change: c.565+2092C>A on transcript NM_001032283.3 (MANE Select); 2092 bases into the intron after coding-DNA position 565, C replaced by A.
Molecular consequence: intron variant. On other transcripts: missense variant (1).
Genome position (GRCh38, 1-based): chr12:98,533,930, C>A. VCF-style: chr12-98533930-C-A. GRCh37 (hg19) VCF-style: chr12-98927708-C-A.
Other names: c.1673C>A, p.Thr558Asn (NM_003276.2); c.565+2092C>A (NM_001307975.2, NM_001032284.3); short protein forms T558N.
Identifiers: ClinVar variation 536979 (VCV000536979.16), dbSNP rs563175204, ClinGen allele CA6732457.